The following is an entry in ClinVar:

NM_004369.4(COL6A3):c.2730G>A (p.Thr910=)

Gene: COL6A3 (collagen type VI alpha 3 chain; minus strand). Cytogenetic location: 2q37.3.
Variant type: single nucleotide variant.
Coding change: c.2730G>A on transcript NM_004369.4 (MANE Select); coding-DNA position 2730, G replaced by A.
Protein change: p.Thr910=; no amino-acid change (threonine 910 retained).
Molecular consequence: synonymous variant.
Genome position (GRCh38, 1-based): chr2:237,377,112, C>T on the plus strand (G>A on the coding strand, the complement: COL6A3 is on the minus strand). VCF-style: chr2-237377112-C-T. GRCh37 (hg19) VCF-style: chr2-238285755-C-T.
Other names: c.1509G>A, p.Thr503= (NM_057164.5); c.2112G>A, p.Thr704= (NM_057165.5, NM_057167.4); c.909G>A, p.Thr303= (NM_057166.5).
Identifiers: ClinVar variation 594864 (VCV000594864.19), dbSNP rs367991818, ClinGen allele CA2189337.

ClinVar aggregate classification (germline): Conflicting classifications of pathogenicity. Review status: criteria provided, conflicting classifications (1 of 4 stars). 3 submissions from 3 submitters: Uncertain significance (1); Likely benign (2). Last evaluated 2026-03-01.

Conditions:
Bethlem myopathy 1A. Also called: Bethlem myopathy 1; MYOPATHY, BENIGN CONGENITAL, WITH CONTRACTURES; Bethlem Muscular Dystrophy. Identifiers: Orphanet 610, MedGen CN029274, MONDO:0024530, OMIM 158810.

Allele frequency attached by ClinVar (database versions not stated): gnomAD 0.00003; gnomAD exomes 0.00003 and 0.00006; TOPMed 0.00003; ExAC 0.00007; ESP Exome Variant Server 0.00023.
gnomAD v4.1: 51 of 1,614,074 alleles (0.0032%); highest among the groups gnomAD compares: Admixed American, 0.0067%; no homozygotes.

Submissions (3):

CeGaT Center for Human Genetics Tuebingen
Classification: Likely benign. Last evaluated: 2026-03-01. Review status: criteria provided, single submitter. Criteria: CeGaT Center For Human Genetics Tuebingen Variant Classification Criteria Version 2. Collection method: clinical testing. Allele origin: germline. Affected: yes. Observed: 1 variant allele.
Comment: COL6A3: BP4, BP7

Labcorp Genetics (formerly Invitae), Labcorp
Classification: Likely benign for Bethlem myopathy 1A. Last evaluated: 2024-10-16. Review status: criteria provided, single submitter. Criteria: Invitae Variant Classification Sherloc (09022015). Collection method: clinical testing. Allele origin: germline.

Eurofins Ntd Llc (ga)
Classification: Uncertain significance. Last evaluated: 2017-11-09. Review status: criteria provided, single submitter. Criteria: EGL Classification Definitions 2015. Collection method: clinical testing. Allele origin: germline. Observed: 1 variant allele, 1 heterozygote.